The following is an entry in ClinVar:

NM_001453.3(FOXC1):c.502del (p.Leu168fs)

Gene: FOXC1 (forkhead box C1; plus strand). Cytogenetic location: 6p25.3.
Variant type: Deletion.
Coding change: c.502del on transcript NM_001453.3 (MANE Select); coding-DNA position 502, one base deleted (C; older notation c.502delC).
Protein change: p.Leu168fs; shifts the reading frame from leucine 168.
Molecular consequence: frameshift variant.
Genome position (GRCh38, 1-based): chr6:1,610,947, C deleted; the last of 2 consecutive C bases (chr6:1,610,946-1,610,947); deleting either gives the same sequence. VCF-style (leftmost placement, unchanged base first): chr6-1610945-TC-T. GRCh37 (hg19) VCF-style: chr6-1611180-TC-T.
Other names: short protein forms L168fs.
Identifiers: ClinVar variation 1693142 (VCV001693142.2), dbSNP rs2480502820, ClinGen allele CA2580074190.

ClinVar aggregate classification (germline): Pathogenic/Likely pathogenic. Review status: criteria provided, multiple submitters, no conflicts (2 of 4 stars). 2 submissions from 2 submitters: Pathogenic (1); Likely pathogenic (1). Last evaluated 2022-06-23.

Conditions:
Axenfeld-Rieger syndrome type 3 (RIEG3). Also called: AXENFELD-RIEGER ANOMALY WITH CARDIAC DEFECTS AND/OR SENSORINEURAL HEARING LOSS. Identifiers: Orphanet 782, MedGen C2678503, MONDO:0011233, OMIM 602482.

Submissions (2):

Genomics, Genetics and Epigenetics Laboratory, Medical College of Wisconsin
Classification: Pathogenic for Axenfeld-Rieger syndrome type 3. Last evaluated: 2022-06-23. Review status: criteria provided, single submitter. Criteria: ACMG Guidelines, 2015. Collection method: research. Allele origin: germline. Affected: yes. Observed: 1 variant allele.

Illumina Laboratory Services, Illumina
Classification: Likely pathogenic for Axenfeld-Rieger syndrome type 3. Last evaluated: 2020-03-31. Review status: criteria provided, single submitter. Criteria: ICSLVariantClassificationCriteria RUGD 01 April 2020. Collection method: clinical testing. Allele origin: unknown.
Comment: The FOXC1 c.502delC p.(Leu168CysfsTer13) variant causes a shift in the protein reading frame that is predicted to result in premature termination of the protein. Loss of normal protein function through either protein truncation or nonsense-mediated mRNA decay is expected. To our knowledge, this variant has not been reported in the peer-reviewed literature. This variant is not observed in version 2.1.1 of the Genome Aggregation Database. Based on the available evidence, the c.502delC p.(Leu168CysfsTer13) variant is classified as likely pathogenic for Axenfeld-Rieger syndrome.

Literature cited by the submitters: PubMed 35882526 (cited by Genomics, Genetics and Epigenetics Laboratory, Medical College of Wisconsin).